The following is an entry in ClinVar:

ClinVar aggregate classification (germline): Uncertain significance (1 of 4 stars; one submission).

Allele frequency attached by ClinVar (database versions not stated): gnomAD exomes below 0.00001; ExAC 0.00001.
gnomAD v4.1: 1 of 1,614,082 alleles (0.000062%); highest among the groups gnomAD compares: Admixed American, 0.0017%; no homozygotes.

Submission:

Labcorp Genetics (formerly Invitae), Labcorp
Classification: Uncertain significance. Last evaluated: 2023-10-13. Review status: criteria provided, single submitter. Criteria: Invitae Variant Classification Sherloc (09022015). Collection method: clinical testing. Allele origin: germline.
Comment: This sequence change replaces valine, which is neutral and non-polar, with glycine, which is neutral and non-polar, at codon 255 of the OPN1SW protein (p.Val255Gly). This variant is present in population databases (rs778625008, gnomAD 0.003%). This variant has not been reported in the literature in individuals affected with OPN1SW-related conditions. ClinVar contains an entry for this variant (Variation ID: 2007062). An algorithm developed to predict the effect of missense changes on protein structure and function (PolyPhen-2) suggests that this variant is likely to be disruptive. In summary, the available evidence is currently insufficient to determine the role of this variant in disease. Therefore, it has been classified as a Variant of Uncertain Significance.

NM_001385125.1(OPN1SW):c.755T>G (p.Val252Gly)

Gene: OPN1SW (opsin 1, short wave sensitive; minus strand). Cytogenetic location: 7q32.1.
Variant type: single nucleotide variant.
Coding change: c.755T>G on transcript NM_001385125.1 (MANE Select); coding-DNA position 755, T replaced by G.
Protein change: p.Val252Gly; replaces valine 252 with glycine.
Molecular consequence: missense variant.
Genome position (GRCh38, 1-based): chr7:128,773,812, A>C on the plus strand (T>G on the coding strand, the complement: OPN1SW is on the minus strand). VCF-style: chr7-128773812-A-C. GRCh37 (hg19) VCF-style: chr7-128413866-A-C.
Other names: short protein forms V252G.
Identifiers: ClinVar variation 2007062 (VCV002007062.4), dbSNP rs778625008, ClinGen allele CA4472841.